The following is an entry in ClinVar:

NM_001048174.2(MUTYH):c.548T>A (p.Leu183His)

Gene: MUTYH (mutY DNA glycosylase; minus strand). Cytogenetic location: 1p34.1.
Variant type: single nucleotide variant.
Coding change: c.548T>A on transcript NM_001048174.2 (MANE Select); coding-DNA position 548, T replaced by A.
Protein change: p.Leu183His; replaces leucine 183 with histidine.
Molecular consequence: missense variant. On other transcripts: non-coding transcript variant (7).
Genome position (GRCh38, 1-based): chr1:45,332,632, A>T on the plus strand (T>A on the coding strand, the complement: MUTYH is on the minus strand). VCF-style: chr1-45332632-A-T. GRCh37 (hg19) VCF-style: chr1-45798304-A-T.
Other names: c.548T>A, p.Leu183His (NM_001407081.1, NM_001407088.1, NM_001407089.1 and 6 more transcripts); c.203T>A, p.Leu68His (NM_001407082.1, NM_001350650.2, NM_001350651.2); c.590T>A, p.Leu197His (NM_001407083.1, NM_001407085.1); c.551T>A, p.Leu184His (NM_001407086.1, NM_001048172.2, NM_001407071.1 and 1 more transcripts); c.569T>A, p.Leu190His (NM_001407087.1); c.272T>A, p.Leu91His (NM_001407091.1, NM_001293192.2, NM_001293196.2); c.623T>A, p.Leu208His (NM_012222.3); c.632T>A, p.Leu211His (NM_001128425.2); and 5 more; short protein forms L169H, L197H, L155H, L170H, L183H, L190H, L198H, L184H.
Identifiers: ClinVar variation 4113781 (VCV004113781.1).

ClinVar aggregate classification (germline): Uncertain significance (1 of 4 stars; one submission).

Conditions:
Hereditary cancer-predisposing syndrome. Also called: Hereditary neoplastic syndrome; Neoplastic Syndromes, Hereditary; Tumor predisposition; Hereditary Cancer Syndrome. Identifiers: Orphanet 140162, MedGen C0027672, MeSH D009386, MONDO:0015356.

Submission:

Ambry Genetics
Classification: Uncertain significance for Hereditary cancer-predisposing syndrome. Last evaluated: 2025-08-27. Review status: criteria provided, single submitter. Criteria: Ambry Variant Classification Scheme 2023. Collection method: clinical testing. Allele origin: germline.
Comment: The p.L211H variant (also known as c.632T>A), located in coding exon 8 of the MUTYH gene, results from a T to A substitution at nucleotide position 632. The leucine at codon 211 is replaced by histidine, an amino acid with similar properties. This amino acid position is conserved. In addition, this alteration is predicted to be tolerated by in silico analysis. Based on the available evidence, the clinical significance of this variant remains unclear.